The following is an entry in ClinVar:

ClinVar aggregate classification (germline): Uncertain significance (1 of 4 stars; one submission).

Allele frequency attached by ClinVar (database versions not stated): TOPMed below 0.00001; ExAC 0.00001; gnomAD exomes 0.00001.
gnomAD v4.1: 7 of 1,612,306 alleles (0.00043%); highest among the groups gnomAD compares: African/African-American, 0.0027%; no homozygotes.

Submission:

Labcorp Genetics (formerly Invitae), Labcorp
Classification: Uncertain significance. Last evaluated: 2023-03-13. Review status: criteria provided, single submitter. Criteria: Invitae Variant Classification Sherloc (09022015). Collection method: clinical testing. Allele origin: germline.
Comment: In summary, the available evidence is currently insufficient to determine the role of this variant in disease. Therefore, it has been classified as a Variant of Uncertain Significance. An algorithm developed to predict the effect of missense changes on protein structure and function (PolyPhen-2) suggests that this variant is likely to be disruptive. ClinVar contains an entry for this variant (Variation ID: 1911244). This variant has not been reported in the literature in individuals affected with HSPG2-related conditions. This variant is not present in population databases (gnomAD no frequency). This sequence change replaces alanine, which is neutral and non-polar, with valine, which is neutral and non-polar, at codon 1120 of the HSPG2 protein (p.Ala1120Val).

NM_005529.7(HSPG2):c.3359C>T (p.Ala1120Val)

Gene: HSPG2 (heparan sulfate proteoglycan 2; minus strand). Cytogenetic location: 1p36.12.
Variant type: single nucleotide variant.
Coding change: c.3359C>T on transcript NM_005529.7 (MANE Select); coding-DNA position 3359, C replaced by T.
Protein change: p.Ala1120Val; replaces alanine 1120 with valine.
Molecular consequence: missense variant.
Genome position (GRCh38, 1-based): chr1:21,874,946, G>A on the plus strand (C>T on the coding strand, the complement: HSPG2 is on the minus strand). VCF-style: chr1-21874946-G-A. GRCh37 (hg19) VCF-style: chr1-22201439-G-A.
Other names: c.3362C>T, p.Ala1121Val (NM_001291860.2); short protein forms A1120V, A1121V.
Identifiers: ClinVar variation 1911244 (VCV001911244.5), dbSNP rs754348948, ClinGen allele CA672678.